The following is an entry in ClinVar:

NM_025243.4(SLC19A3):c.*1995G>A

Gene: SLC19A3 (solute carrier family 19 member 3; minus strand). Cytogenetic location: 2q36.3.
Variant type: single nucleotide variant.
Coding change: c.*1995G>A on transcript NM_025243.4 (MANE Select); 1995 bases downstream of the stop codon, G replaced by A.
Molecular consequence: 3 prime UTR variant.
Genome position (GRCh38, 1-based): chr2:227,685,402, C>T on the plus strand (G>A on the coding strand, the complement: SLC19A3 is on the minus strand). VCF-style: chr2-227685402-C-T. GRCh37 (hg19) VCF-style: chr2-228550118-C-T.
Other names: c.*1995G>A (NM_001371411.1, NM_001371412.1, NM_001371413.1 and 1 more transcripts).
Identifiers: ClinVar variation 899258 (VCV000899258.4), dbSNP rs185496445, ClinGen allele CA66654398.

ClinVar aggregate classification (germline): Likely benign (1 of 4 stars; one submission).

Conditions:
Biotin-responsive basal ganglia disease (BTBGD). Also called: Thiamine Transporter-2 Deficiency; THIAMINE METABOLISM DYSFUNCTION SYNDROME 2 (BIOTIN- AND THIAMINE-RESPONSIVE TYPE); Thiamine metabolism dysfunction syndrome type 2; thiamine-responsive encephalopathy; Thiamine metabolism dysfunction syndrome 2 (biotin- or thiamine-responsive encephalopathy type 2). Identifiers: Orphanet 199348, Orphanet 65284, MedGen C1843807, MONDO:0011841, OMIM 607483.

Allele frequency attached by ClinVar (database versions not stated): 1000 Genomes Project 0.00280; 1000 Genomes Project 30x 0.00328; gnomAD 0.00373 and 0.00400; TOPMed 0.00428.

Submission:

Illumina Laboratory Services, Illumina
Classification: Likely benign for Biotin-responsive basal ganglia disease. Last evaluated: 2018-01-13. Review status: criteria provided, single submitter. Criteria: ICSL Variant Classification Criteria 13 December 2019. Collection method: clinical testing. Allele origin: germline.
Comment: This variant was observed in the ICSL laboratory as part of a predisposition screen in an ostensibly healthy population. It had not been previously curated by ICSL or reported in the Human Gene Mutation Database (HGMD: prior to June 1st, 2018), and was therefore a candidate for classification through an automated scoring system. Utilizing variant allele frequency, disease prevalence and penetrance estimates, and inheritance mode, an automated score was calculated to assess if this variant is too frequent to cause the disease. Based on the score and internal cut-off values, a variant classified as likely benign is not then subjected to further curation. The score for this variant resulted in a classification of likely benign for this disease.